The following is an entry in ClinVar:

ClinVar aggregate classification (germline): Uncertain significance. Review status: criteria provided, multiple submitters, no conflicts (2 of 4 stars). 2 submissions from 2 submitters: Uncertain significance (2). Last evaluated 2023-09-18.

Submissions (2):

Blueprint Genetics
Classification: Uncertain significance. Last evaluated: 2023-09-18. Review status: criteria provided, single submitter. Criteria: ACMG Guidelines, 2015. Collection method: clinical testing. Allele origin: germline.

Labcorp Genetics (formerly Invitae), Labcorp
Classification: Uncertain significance. Last evaluated: 2022-04-09. Review status: criteria provided, single submitter. Criteria: Invitae Variant Classification Sherloc (09022015). Collection method: clinical testing. Allele origin: germline.
Comment: In summary, the available evidence is currently insufficient to determine the role of this variant in disease. Therefore, it has been classified as a Variant of Uncertain Significance. Experimental studies and prediction algorithms are not available or were not evaluated, and the functional significance of this variant is currently unknown. This variant has not been reported in the literature in individuals affected with PRDM13-related conditions. This variant is not present in population databases (gnomAD no frequency). This variant, c.1072_1083del, results in the deletion of 4 amino acid(s) of the PRDM13 protein (p.Ala358_His361del), but otherwise preserves the integrity of the reading frame.

NM_021620.4(PRDM13):c.1072_1083del (p.Ala358_His361del)

Genes: PRDM13 (PR/SET domain 13; plus strand), LOC129996881 (ATAC-STARR-seq lymphoblastoid silent region 17422; plus strand). Cytogenetic location: 6q16.2.
Variant type: Deletion.
Coding change: c.1072_1083del on transcript NM_021620.4 (MANE Select); coding-DNA positions 1072 to 1083, 12 bases deleted (GCGCACCACCAC).
Protein change: p.Ala358_His361del.
Molecular consequence: inframe deletion.
Genome position (GRCh38, 1-based): chr6:99,613,707-99,613,718, GCGCACCACCAC deleted; deleting any 12 consecutive bases within chr6:99,613,698-99,613,718 gives the same sequence; the c. name uses the placement nearest the transcript's 3' end. VCF-style (leftmost placement, unchanged base first): chr6-99613697-TCACCACCACGCG-T. GRCh37 (hg19) VCF-style: chr6-100061573-TCACCACCACGCG-T.
Identifiers: ClinVar variation 1956581 (VCV001956581.6), dbSNP rs1197043084, ClinGen allele CA830407899.